The following is an entry in ClinVar:

NM_052844.4(DYNC2I2):c.1165_1167del (p.Ser389del)

Genes: DYNC2I2 (dynein 2 intermediate chain 2; minus strand), LOC126860772 (CDK7 strongly-dependent group 2 enhancer GRCh37_chr9:131396972-131398171; plus strand). Cytogenetic location: 9q34.11.
Variant type: Deletion.
Coding change: c.1165_1167del on transcript NM_052844.4 (MANE Select); coding-DNA positions 1165 to 1167, 3 bases deleted (TCC; older notation c.1165_1167delTCC).
Protein change: p.Ser389del; deletes serine 389.
Molecular consequence: inframe deletion.
Genome position (GRCh38, 1-based): chr9:128,634,736-128,634,738, GGA deleted on the plus strand (TCC on the coding strand, the reverse complement: DYNC2I2 is on the minus strand); deleting any 3 consecutive bases within chr9:128,634,736-128,634,739 gives the same sequence; the c. name uses the placement nearest the transcript's 3' end. VCF-style (leftmost placement, unchanged base first): chr9-128634735-GGGA-G. GRCh37 (hg19) VCF-style: chr9-131397014-GGGA-G.
Other names: short protein forms S389del.
Identifiers: ClinVar variation 2095491 (VCV002095491.4), dbSNP rs2542430987, ClinGen allele CA2580079786.

ClinVar aggregate classification (germline): Uncertain significance (1 of 4 stars; one submission).

Conditions:
Short-rib thoracic dysplasia 11 with or without polydactyly (SRTD11). Also called: SHORT-RIB THORACIC DYSPLASIA 11 WITHOUT POLYDACTYLY. Identifiers: Orphanet 474, Orphanet 93271, MedGen C3810200, MONDO:0014287, OMIM 615633.

Submission:

Labcorp Genetics (formerly Invitae), Labcorp
Classification: Uncertain significance for Short-rib thoracic dysplasia 11 with or without polydactyly. Last evaluated: 2022-03-04. Review status: criteria provided, single submitter. Criteria: Invitae Variant Classification Sherloc (09022015). Collection method: clinical testing. Allele origin: germline.
Comment: Experimental studies and prediction algorithms are not available or were not evaluated, and the functional significance of this variant is currently unknown. This variant, c.1165_1167del, results in the deletion of 1 amino acid(s) of the WDR34 protein (p.Ser389del), but otherwise preserves the integrity of the reading frame. This variant is not present in population databases (gnomAD no frequency). This variant has not been reported in the literature in individuals affected with WDR34-related conditions. In summary, the available evidence is currently insufficient to determine the role of this variant in disease. Therefore, it has been classified as a Variant of Uncertain Significance.